The following is an entry in ClinVar:

NM_001042492.3(NF1):c.7197_7203dup (p.Ser2402fs)

Gene: NF1 (neurofibromin 1; plus strand). Cytogenetic location: 17q11.2.
Variant type: Duplication.
Coding change: c.7197_7203dup on transcript NM_001042492.3 (MANE Select); coding-DNA positions 7197 to 7203, 7 bases duplicated (GCATCCT; older notation c.7197_7203dupGCATCCT).
Protein change: p.Ser2402fs; shifts the reading frame from serine 2402.
Molecular consequence: frameshift variant.
Genome position (GRCh38, 1-based): chr17:31,349,127-31,349,133, GCATCCT duplicated. VCF-style (leftmost placement, unchanged base first): chr17-31349126-G-GGCATCCT. GRCh37 (hg19) VCF-style: chr17-29676144-G-GGCATCCT.
Other names: c.7134_7140dup, p.Ser2381Alafs (NM_000267.4); short protein forms S2381fs, S2402fs.
Identifiers: ClinVar variation 2708705 (VCV002708705.3), dbSNP rs2508800647, ClinGen allele CA2697559556.

ClinVar aggregate classification (germline): Pathogenic (1 of 4 stars; one submission).

Conditions:
Neurofibromatosis, type 1 (NF1). Also called: Peripheral type neurofibromatosis; VON RECKLINGHAUSEN DISEASE; NEUROFIBROMATOSIS, TYPE I, SOMATIC; Neurofibromatosis, type I. Identifiers: Orphanet 636, MedGen C0027831, MONDO:0018975, OMIM 162200. Disease mechanism: loss of function.

Submission:

Labcorp Genetics (formerly Invitae), Labcorp
Classification: Pathogenic for Neurofibromatosis, type 1. Last evaluated: 2024-01-10. Review status: criteria provided, single submitter. Criteria: Invitae Variant Classification Sherloc (09022015). Collection method: clinical testing. Allele origin: germline.
Comment: This sequence change creates a premature translational stop signal (p.Ser2381Alafs*22) in the NF1 gene. It is expected to result in an absent or disrupted protein product. Loss-of-function variants in NF1 are known to be pathogenic (PMID: 10712197, 23913538). This variant is not present in population databases (gnomAD no frequency). This variant has not been reported in the literature in individuals affected with NF1-related conditions. For these reasons, this variant has been classified as Pathogenic.

Literature cited by the submitters: PubMed 10712197; PubMed 23913538.